The following is an entry in ClinVar:

NM_001130438.3(SPTAN1):c.1864T>C (p.Ser622Pro)

Gene: SPTAN1 (spectrin alpha, non-erythrocytic 1; plus strand). Cytogenetic location: 9q34.11.
Variant type: single nucleotide variant.
Coding change: c.1864T>C on transcript NM_001130438.3 (MANE Select); coding-DNA position 1864, T replaced by C.
Protein change: p.Ser622Pro; replaces serine 622 with proline.
Molecular consequence: missense variant.
Genome position (GRCh38, 1-based): chr9:128,583,134, T>C. VCF-style: chr9-128583134-T-C. GRCh37 (hg19) VCF-style: chr9-131345413-T-C.
Other names: c.1864T>C, p.Ser622Pro (NM_001195532.2, NM_001363759.2, NM_001363765.2 and 5 more transcripts); c.1900T>C, p.Ser634Pro (NM_001375312.2, NM_001375318.1); short protein forms S622P, S634P.
Identifiers: ClinVar variation 2802077 (VCV002802077.3), dbSNP rs2541168393, ClinGen allele CA375055602.

ClinVar aggregate classification (germline): Uncertain significance (1 of 4 stars; one submission).

Conditions:
Early-infantile DEE. Also called: Early infantile epileptic encephalopathy; Early infantile epileptic encephalopathy with suppression bursts; Ohtahara syndrome. Identifiers: Orphanet 1934, MedGen C0393706, MONDO:0800491.

Submission:

Labcorp Genetics (formerly Invitae), Labcorp
Classification: Uncertain significance for Early-infantile DEE. Last evaluated: 2023-12-08. Review status: criteria provided, single submitter. Criteria: Invitae Variant Classification Sherloc (09022015). Collection method: clinical testing. Allele origin: germline.
Comment: This sequence change replaces serine, which is neutral and polar, with proline, which is neutral and non-polar, at codon 622 of the SPTAN1 protein (p.Ser622Pro). This variant is not present in population databases (gnomAD no frequency). This variant has not been reported in the literature in individuals affected with SPTAN1-related conditions. Advanced modeling of protein sequence and biophysical properties (such as structural, functional, and spatial information, amino acid conservation, physicochemical variation, residue mobility, and thermodynamic stability) has been performed at Invitae for this missense variant, however the output from this modeling did not meet the statistical confidence thresholds required to predict the impact of this variant on SPTAN1 protein function. In summary, the available evidence is currently insufficient to determine the role of this variant in disease. Therefore, it has been classified as a Variant of Uncertain Significance.